The following is an entry in ClinVar:

NM_139125.4(MASP1):c.547+6G>C

Gene: MASP1 (MBL associated serine protease 1; minus strand). Cytogenetic location: 3q27.3.
Variant type: single nucleotide variant.
Coding change: c.547+6G>C on transcript NM_139125.4 (MANE Select); 6 bases into the intron after coding-DNA position 547, G replaced by C.
Molecular consequence: intron variant.
Genome position (GRCh38, 1-based): chr3:187,260,735, C>G on the plus strand (G>C on the coding strand, the complement: MASP1 is on the minus strand). VCF-style: chr3-187260735-C-G. GRCh37 (hg19) VCF-style: chr3-186978523-C-G.
Other names: c.547+6G>C (NM_001879.6, NM_001031849.3).
Identifiers: ClinVar variation 3051646 (VCV003051646.2), dbSNP rs770767772, ClinGen allele CA2749598.
Genomic context (GRCh38, chr3:187,260,735, plus strand): 5'-CCTCATCTAATGTTATTGAGGATGTGGCCTATAAGGGCAATGCATACAATCATTGGTAGG[C>G]TCTACCTCGGCAGGTCCTGTTGTCTGTGTGGAGGATGTAGCCGAAGCGGCAGGAGCAGTA-3'

ClinVar aggregate classification (germline): Likely benign (0 of 4 stars; one submission).

Conditions:
MASP1-related disorder. Also called: MASP1-related condition.

Allele frequency attached by ClinVar (database versions not stated): TOPMed 0.00002; gnomAD 0.00003.
gnomAD v4.1: 19 of 1,614,032 alleles (0.0012%); highest among the groups gnomAD compares: African/African-American, 0.011%; no homozygotes.

Submission:

PreventionGenetics, part of Exact Sciences
Classification: Likely benign for MASP1-related condition. Last evaluated: 2023-12-04. Review status: no assertion criteria provided. Collection method: clinical testing. Allele origin: germline.
Comment: This variant is classified as likely benign based on ACMG/AMP sequence variant interpretation guidelines (Richards et al. 2015 PMID: 25741868, with internal and published modifications).